The following is an entry in ClinVar:

NM_052867.4(NALCN):c.2757+5C>T

Gene: NALCN (sodium leak channel, non-selective; minus strand). Cytogenetic location: 13q33.1.
Variant type: single nucleotide variant.
Coding change: c.2757+5C>T on transcript NM_052867.4 (MANE Select); 5 bases into the intron after coding-DNA position 2757, C replaced by T.
Molecular consequence: intron variant.
Genome position (GRCh38, 1-based): chr13:101,104,525, G>A on the plus strand (C>T on the coding strand, the complement: NALCN is on the minus strand). VCF-style: chr13-101104525-G-A. GRCh37 (hg19) VCF-style: chr13-101756876-G-A.
Other names: c.2670+5C>T (NM_001350751.2, NM_001350750.2); c.2757+5C>T (NM_001350749.2, NM_052867.2); c.2844+5C>T (NM_001350748.2).
Identifiers: ClinVar variation 2157971 (VCV002157971.6), dbSNP rs772170189, ClinGen allele CA7035604.

ClinVar aggregate classification (germline): Uncertain significance. Review status: criteria provided, multiple submitters, no conflicts (2 of 4 stars). 2 submissions from 2 submitters: Uncertain significance (2). Last evaluated 2024-02-05.

Allele frequency attached by ClinVar (database versions not stated): gnomAD exomes 0.00002; ExAC 0.00006.
gnomAD v4.1: 28 of 1,613,784 alleles (0.0017%); highest among the groups gnomAD compares: Middle Eastern, 0.016%; no homozygotes.

Submissions (2):

Labcorp Genetics (formerly Invitae), Labcorp
Classification: Uncertain significance. Last evaluated: 2024-02-05. Review status: criteria provided, single submitter. Criteria: Invitae Variant Classification Sherloc (09022015). Collection method: clinical testing. Allele origin: germline.
Comment: This sequence change falls in intron 24 of the NALCN gene. It does not directly change the encoded amino acid sequence of the NALCN protein. It affects a nucleotide within the consensus splice site. This variant is present in population databases (rs772170189, gnomAD 0.02%). This variant has not been reported in the literature in individuals affected with NALCN-related conditions. ClinVar contains an entry for this variant (Variation ID: 2157971). Variants that disrupt the consensus splice site are a relatively common cause of aberrant splicing (PMID: 17576681, 9536098). Algorithms developed to predict the effect of sequence changes on RNA splicing suggest that this variant is not likely to affect RNA splicing. In summary, the available evidence is currently insufficient to determine the role of this variant in disease. Therefore, it has been classified as a Variant of Uncertain Significance.

Revvity Omics, Revvity
Classification: Uncertain significance. Last evaluated: 2023-11-07. Review status: criteria provided, single submitter. Criteria: ACMG Guidelines, 2015. Collection method: clinical testing. Allele origin: germline.

Literature cited by the submitters: PubMed 17576681 (cited by Labcorp Genetics (formerly Invitae), Labcorp); PubMed 9536098 (cited by Labcorp Genetics (formerly Invitae), Labcorp).